The following is an entry in ClinVar:

ClinVar aggregate classification (germline): Uncertain significance. Review status: criteria provided, multiple submitters, no conflicts (2 of 4 stars). 2 submissions from 2 submitters: Uncertain significance (2). Last evaluated 2024-11-13.

Conditions:
Giant axonal neuropathy 1 (GAN1). Also called: GIANT AXONAL NEUROPATHY 1, AUTOSOMAL RECESSIVE; GAN-Related Neurodegeneration. Identifiers: Orphanet 643, MedGen C1850386, MONDO:0009749, OMIM 256850.
Inborn genetic diseases. Identifiers: MedGen C0950123, MeSH D030342.

Allele frequency attached by ClinVar (database versions not stated): gnomAD exomes below 0.00001 and 0.00001; ExAC 0.00001; gnomAD 0.00001; TOPMed 0.00001.
gnomAD v4.1: 7 of 1,613,562 alleles (0.00043%); highest among the groups gnomAD compares: East Asian, 0.0045%; no homozygotes.

Submissions (2):

Ambry Genetics
Classification: Uncertain significance for Inborn genetic diseases. Last evaluated: 2024-11-13. Review status: criteria provided, single submitter. Criteria: Ambry Variant Classification Scheme 2023. Collection method: clinical testing. Allele origin: germline.

Labcorp Genetics (formerly Invitae), Labcorp
Classification: Uncertain significance for Giant axonal neuropathy 1. Last evaluated: 2022-06-20. Review status: criteria provided, single submitter. Criteria: Invitae Variant Classification Sherloc (09022015). Collection method: clinical testing. Allele origin: germline.
Comment: This sequence change replaces arginine, which is basic and polar, with glutamine, which is neutral and polar, at codon 232 of the GAN protein (p.Arg232Gln). This variant is present in population databases (rs760587601, gnomAD 0.01%). This variant has not been reported in the literature in individuals affected with GAN-related conditions. ClinVar contains an entry for this variant (Variation ID: 465398). Algorithms developed to predict the effect of missense changes on protein structure and function (SIFT, PolyPhen-2, Align-GVGD) all suggest that this variant is likely to be tolerated. Algorithms developed to predict the effect of sequence changes on RNA splicing suggest that this variant may create or strengthen a splice site. In summary, the available evidence is currently insufficient to determine the role of this variant in disease. Therefore, it has been classified as a Variant of Uncertain Significance.

NM_022041.4(GAN):c.695G>A (p.Arg232Gln)

Gene: GAN (gigaxonin; plus strand). Cytogenetic location: 16q23.2.
Variant type: single nucleotide variant.
Coding change: c.695G>A on transcript NM_022041.4 (MANE Select); coding-DNA position 695, G replaced by A.
Protein change: p.Arg232Gln; replaces arginine 232 with glutamine.
Molecular consequence: missense variant.
Genome position (GRCh38, 1-based): chr16:81,356,846, G>A. VCF-style: chr16-81356846-G-A. GRCh37 (hg19) VCF-style: chr16-81390451-G-A.
Other names: c.56G>A, p.Arg19Gln (NM_001377486.1); short protein forms R232Q, R19Q.
Identifiers: ClinVar variation 465398 (VCV000465398.7), dbSNP rs760587601, ClinGen allele CA8191453.
Genomic context (GRCh38, chr16:81,356,846, plus strand): 5'-TCCACATGAAGGATGTTATGTCAGCTCTGTGGGTTTCAGGGTTGGACTCCAGTTATTTAC[G>A]GGAACAGATGCTGAATGAACCATTAGTACGAGAAATTGTCAAAGAGTGTAGCAATATACC-3'
Protein context (NP_071324.1, residues 222-242): WVSGLDSSYL[Arg232Gln]EQMLNEPLVR